The following is an entry in ClinVar:

NM_024652.6(LRRK1):c.6026C>T (p.Ala2009Val)

Genes: LRRK1 (leucine rich repeat kinase 1; plus strand), LRRK1-AS1 (LRRK1 antisense RNA 1; minus strand). Cytogenetic location: 15q26.3.
Variant type: single nucleotide variant.
Coding change: c.6026C>T on transcript NM_024652.6 (MANE Select); coding-DNA position 6026, C replaced by T.
Protein change: p.Ala2009Val; replaces alanine 2009 with valine.
Molecular consequence: missense variant.
Genome position (GRCh38, 1-based): chr15:101,068,826, C>T. VCF-style: chr15-101068826-C-T. GRCh37 (hg19) VCF-style: chr15-101609031-C-T.
Other names: short protein forms A2009V.
Identifiers: ClinVar variation 1714017 (VCV001714017.5), dbSNP rs1452560841, ClinGen allele CA393964798.

ClinVar aggregate classification (germline): Uncertain significance (1 of 4 stars; one submission).

gnomAD v4.1: 1 of 1,606,348 alleles (0.000062%); highest among the groups gnomAD compares: Non-Finnish European, 0.000085%; no homozygotes.

Submission:

Labcorp Genetics (formerly Invitae), Labcorp
Classification: Uncertain significance. Last evaluated: 2022-09-12. Review status: criteria provided, single submitter. Criteria: Invitae Variant Classification Sherloc (09022015). Collection method: clinical testing. Allele origin: germline.
Comment: In summary, the available evidence is currently insufficient to determine the role of this variant in disease. Therefore, it has been classified as a Variant of Uncertain Significance. Algorithms developed to predict the effect of missense changes on protein structure and function output the following: SIFT: "Tolerated"; PolyPhen-2: "Benign"; Align-GVGD: "Class C0". The valine amino acid residue is found in multiple mammalian species, which suggests that this missense change does not adversely affect protein function. This variant has not been reported in the literature in individuals affected with LRRK1-related conditions. This variant is present in population databases (no rsID available, gnomAD 0.0009%). This sequence change replaces alanine, which is neutral and non-polar, with valine, which is neutral and non-polar, at codon 2009 of the LRRK1 protein (p.Ala2009Val).